The following is an entry in ClinVar:

NM_003128.3(SPTBN1):c.6316A>G (p.Ser2106Gly)

Gene: SPTBN1 (spectrin beta, non-erythrocytic 1; plus strand). Cytogenetic location: 2p16.2.
Variant type: single nucleotide variant.
Coding change: c.6316A>G on transcript NM_003128.3 (MANE Select); coding-DNA position 6316, A replaced by G.
Protein change: p.Ser2106Gly; replaces serine 2106 with glycine.
Molecular consequence: missense variant.
Genome position (GRCh38, 1-based): chr2:54,659,226, A>G. VCF-style: chr2-54659226-A-G. GRCh37 (hg19) VCF-style: chr2-54886363-A-G.
Other names: c.6277A>G, p.Ser2093Gly (NM_178313.3); short protein forms S2093G, S2106G.
Identifiers: ClinVar variation 3341417 (VCV003341417.1).

ClinVar aggregate classification (germline): Uncertain significance (1 of 4 stars; one submission).

Conditions:
Developmental delay, impaired speech, and behavioral abnormalities. Identifiers: MedGen C5561957, MONDO:0859178, OMIM 619475.

Submission:

Neuberg Centre For Genomic Medicine, NCGM
Classification: Uncertain significance for Developmental delay, impaired speech, and behavioral abnormalities. Last evaluated: 2023-05-20. Review status: criteria provided, single submitter. Criteria: ACMG Guidelines, 2015. Collection method: clinical testing. Allele origin: germline. Inheritance: Autosomal dominant inheritance. Affected: yes.
Comment: The missense c.6316A>G (p.Ser2106Gly) variant in the SPTBN1 gene has not been reported previously as a pathogenic variant nor as a benign variant, to our knowledge. This variant is absent in the gnomAD Exomes. The amino acid Serine at position 2106 is changed to a Glycine changing protein sequence and it might alter its composition and physico-chemical properties. Computational evidence (Polyphen -Benign, SIFT - Tolerated and MutationTaster - Disease causing) predicts conflicting evidence on protein structure and function for this variant. The amino acid change p.Ser2106Gly in SPTBN1 is predicted as conserved by GERP++ and PhyloP across 100 vertebrates. For these reasons, this variant has been classified as Uncertain Significance.